The following is an entry in ClinVar:

NM_006421.5(ARFGEF1):c.4735A>G (p.Arg1579Gly)

Gene: ARFGEF1 (ARF guanine nucleotide exchange factor 1; minus strand). Cytogenetic location: 8q13.2.
Variant type: single nucleotide variant.
Coding change: c.4735A>G on transcript NM_006421.5 (MANE Select); coding-DNA position 4735, A replaced by G.
Protein change: p.Arg1579Gly; replaces arginine 1579 with glycine.
Molecular consequence: missense variant. On other transcripts: non-coding transcript variant (1).
Genome position (GRCh38, 1-based): chr8:67,211,567, T>C on the plus strand (A>G on the coding strand, the complement: ARFGEF1 is on the minus strand). VCF-style: chr8-67211567-T-C. GRCh37 (hg19) VCF-style: chr8-68123802-T-C.
Other names: c.4735A>G, p.Arg1579Gly (NM_001413191.1, NM_001413194.1, NM_001413184.1 and 1 more transcripts); c.4717A>G, p.Arg1573Gly (NM_001413192.1, NM_001413185.1, NM_001413186.1 and 1 more transcripts); c.4117A>G, p.Arg1373Gly (NM_001413193.1); c.3310A>G, p.Arg1104Gly (NM_001413196.1); c.4135A>G, p.Arg1379Gly (NM_001413197.1, NM_001413188.1); c.4729A>G, p.Arg1577Gly (NM_001413190.1); short protein forms R1373G, R1379G, R1573G, R1577G, R1579G, R1104G.
Identifiers: ClinVar variation 4583553 (VCV004583553.1).

ClinVar aggregate classification (germline): Uncertain significance (1 of 4 stars; one submission).

Conditions:
Inborn genetic diseases. Identifiers: MedGen C0950123, MeSH D030342.

gnomAD v4.1: 1 of 1,569,510 alleles (0.000064%); highest among the groups gnomAD compares: Admixed American, 0.0018%; no homozygotes.

Submission:

Ambry Genetics
Classification: Uncertain significance for Inborn genetic diseases. Last evaluated: 2025-11-05. Review status: criteria provided, single submitter. Criteria: Ambry Variant Classification Scheme 2023. Collection method: clinical testing. Allele origin: germline.
Comment: The c.4735A>G (p.R1579G) alteration is located in exon 34 (coding exon 34) of the ARFGEF1 gene. This alteration results from a A to G substitution at nucleotide position 4735, causing the arginine (R) at amino acid position 1579 to be replaced by a glycine (G). Based on data from gnomAD, the G allele has an overall frequency of <0.001% (1/226940) total alleles studied. The highest observed frequency was 0.004% (1/27928) of Latino alleles. Based on insufficient or conflicting evidence, the clinical significance of this alteration remains unclear.